The following is an entry in ClinVar:

ClinVar aggregate classification (germline): Pathogenic (1 of 4 stars; one submission).

Submission:

Labcorp Genetics (formerly Invitae), Labcorp
Classification: Pathogenic. Last evaluated: 2023-03-17. Review status: criteria provided, single submitter. Criteria: Invitae Variant Classification Sherloc (09022015). Collection method: clinical testing. Allele origin: germline.
Comment: This variant is not present in population databases (gnomAD no frequency). For these reasons, this variant has been classified as Pathogenic. This variant has not been reported in the literature in individuals affected with DUOX2-related conditions. This sequence change creates a premature translational stop signal (p.Glu636*) in the DUOX2 gene. It is expected to result in an absent or disrupted protein product. Loss-of-function variants in DUOX2 are known to be pathogenic (PMID: 12110737, 18765513, 21565790, 24423310, 24735383).

Literature cited by the submitters: PubMed 12110737; PubMed 18765513; PubMed 21565790; PubMed 24423310; PubMed 24735383.

NM_001363711.2(DUOX2):c.1906G>T (p.Glu636Ter)

Gene: DUOX2 (dual oxidase 2; minus strand). Cytogenetic location: 15q21.1.
Variant type: single nucleotide variant.
Coding change: c.1906G>T on transcript NM_001363711.2 (MANE Select); coding-DNA position 1906, G replaced by T.
Protein change: p.Glu636Ter; replaces glutamic acid 636 with a stop codon.
Molecular consequence: nonsense.
Genome position (GRCh38, 1-based): chr15:45,106,567, C>A on the plus strand (G>T on the coding strand, the complement: DUOX2 is on the minus strand). VCF-style: chr15-45106567-C-A. GRCh37 (hg19) VCF-style: chr15-45398765-C-A.
Other names: c.1906G>T, p.Glu636Ter (NM_014080.5); short protein forms E636*.
Identifiers: ClinVar variation 2844805 (VCV002844805.3), dbSNP rs764745583, ClinGen allele CA392273795.